The following is an entry in ClinVar:

ClinVar aggregate classification (germline): Pathogenic (1 of 4 stars; one submission).

Conditions:
Medium-chain acyl-coenzyme A dehydrogenase deficiency (ACADMD). Also called: Medium chain acyl-CoA dehydrogenase deficiency; MCADH DEFICIENCY; MCADD; ACADM DEFICIENCY; CARNITINE DEFICIENCY SECONDARY TO MEDIUM-CHAIN ACYL-CoA DEHYDROGENASE DEFICIENCY; MCAD Deficiency. Identifiers: Orphanet 42, MedGen C0220710, MONDO:0008721, OMIM 201450.

Submission:

Labcorp Genetics (formerly Invitae), Labcorp
Classification: Pathogenic for Medium-chain acyl-coenzyme A dehydrogenase deficiency. Last evaluated: 2018-06-02. Review status: criteria provided, single submitter. Criteria: Invitae Variant Classification Sherloc (09022015). Collection method: clinical testing. Allele origin: germline.
Comment: A gross deletion of the genomic region encompassing the full coding sequence of the ACADM gene has been identified. The boundaries of this event are unknown as the deletion extends beyond the assayed region for this gene and therefore may encompass additional genes. This variant has not been reported in the literature in individuals with ACADM-related disease. Loss-of-function variants in ACADM are known to be pathogenic (PMID: 16121256, 20434380). For these reasons, this variant has been classified as Pathogenic.

NC_000001.11:g.(?_75541435)_(76074884_?)del

Genes: SLC44A5 (solute carrier family 44 member 5; minus strand), ACADM (acyl-CoA dehydrogenase medium chain; plus strand), SNORD45C (small nucleolar RNA, C/D box 45C; plus strand), RABGGTB (Rab geranylgeranyltransferase subunit beta; plus strand), SNORD45B (small nucleolar RNA, C/D box 45B; plus strand) and 18 more. Cytogenetic location: 1p31.1.
Variant type: Deletion.
Identifiers: ClinVar variation 584254 (VCV000584254.1).